The following is an entry in ClinVar:

NM_000129.4(F13A1):c.*995G>T

Gene: F13A1 (coagulation factor XIII A chain; minus strand). Cytogenetic location: 6p25.1.
Variant type: single nucleotide variant.
Coding change: c.*995G>T on transcript NM_000129.4 (MANE Select); 995 bases downstream of the stop codon, G replaced by T.
Molecular consequence: 3 prime UTR variant.
Genome position (GRCh38, 1-based): chr6:6,144,624, C>A on the plus strand (G>T on the coding strand, the complement: F13A1 is on the minus strand). VCF-style: chr6-6144624-C-A. GRCh37 (hg19) VCF-style: chr6-6144857-C-A.
Other names: NC_000006.11:g.6144857C>A.
Identifiers: ClinVar variation 357650 (VCV000357650.6), dbSNP rs3024466, ClinGen allele CA10622554.

ClinVar aggregate classification (germline): Benign (1 of 4 stars; one submission).

Conditions:
Factor XIII, A subunit, deficiency of. Also called: Factor XIII subunit A deficiency. Identifiers: Orphanet 331, MedGen C2750514, MONDO:0013187, OMIM 613225, HP:0040233.

Allele frequency attached by ClinVar (database versions not stated): 1000 Genomes Project 0.09345; 1000 Genomes Project 30x 0.09853; gnomAD exomes 0.13333; TOPMed 0.13584; gnomAD 0.13680 and 0.13914.
gnomAD v4.1: 20,784 of 152,174 alleles (14%); highest among the groups gnomAD compares: Middle Eastern, 17%; 1,563 homozygotes.

Submissions (8):

Illumina Laboratory Services, Illumina
Classification: Benign for Factor XIII, A subunit, deficiency of. Last evaluated: 2018-01-12. Review status: criteria provided, single submitter. Criteria: ICSL Variant Classification Criteria 13 December 2019. Collection method: clinical testing. Allele origin: germline.
Comment: This variant was observed in the ICSL laboratory as part of a predisposition screen in an ostensibly healthy population. It had not been previously curated by ICSL or reported in the Human Gene Mutation Database (HGMD: prior to June 1st, 2018), and was therefore a candidate for classification through an automated scoring system. Utilizing variant allele frequency, disease prevalence and penetrance estimates, and inheritance mode, an automated score was calculated to assess if this variant is too frequent to cause the disease. Based on the score and internal cut-off values, a variant classified as benign is not then subjected to further curation. The score for this variant resulted in a classification of benign for this disease.

Dr. Peter K. Rogan Lab, Western University
No classification provided (evidence only). Condition: Lung cancer. Review status: no classification provided. Collection method: in vitro. Allele origin: not applicable. Functional consequence: retained intron. Not counted in ClinVar's aggregate classification.

Dr. Peter K. Rogan Lab, Western University
No classification provided (evidence only). Condition: Acute myeloid leukemia. Review status: no classification provided. Collection method: in vitro. Allele origin: not applicable. Functional consequence: retained intron. Not counted in ClinVar's aggregate classification.

Dr. Peter K. Rogan Lab, Western University
No classification provided (evidence only). Condition: Acute myeloid leukemia. Review status: no classification provided. Collection method: in vitro. Allele origin: not applicable. Functional consequence: retained intron. Not counted in ClinVar's aggregate classification.

Dr. Peter K. Rogan Lab, Western University
No classification provided (evidence only). Condition: Acute myeloid leukemia. Review status: no classification provided. Collection method: in vitro. Allele origin: not applicable. Functional consequence: retained intron. Not counted in ClinVar's aggregate classification.

Dr. Peter K. Rogan Lab, Western University
No classification provided (evidence only). Condition: Thymoma. Review status: no classification provided. Collection method: in vitro. Allele origin: not applicable. Functional consequence: retained intron. Not counted in ClinVar's aggregate classification.

Dr. Peter K. Rogan Lab, Western University
No classification provided (evidence only). Condition: Malignant tumor of esophagus. Review status: no classification provided. Collection method: in vitro. Allele origin: not applicable. Functional consequence: retained intron. Not counted in ClinVar's aggregate classification.

Dr. Peter K. Rogan Lab, Western University
No classification provided (evidence only). Condition: Malignant tumor of esophagus. Review status: no classification provided. Collection method: in vitro. Allele origin: not applicable. Functional consequence: retained intron. Not counted in ClinVar's aggregate classification.